The following is an entry in ClinVar:

NM_002332.3(LRP1):c.841+5G>A

Genes: LRP1 (LDL receptor related protein 1; plus strand), LRP1-AS (LRP1 antisense RNA; minus strand). Cytogenetic location: 12q13.3.
Variant type: single nucleotide variant.
Coding change: c.841+5G>A on transcript NM_002332.3 (MANE Select); 5 bases into the intron after coding-DNA position 841, G replaced by A.
Molecular consequence: intron variant.
Genome position (GRCh38, 1-based): chr12:57,145,495, G>A. VCF-style: chr12-57145495-G-A. GRCh37 (hg19) VCF-style: chr12-57539278-G-A.
Identifiers: ClinVar variation 4975198 (VCV004975198.1).

ClinVar aggregate classification (germline): Uncertain significance (1 of 4 stars; one submission).

Submission:

GeneDx
Classification: Uncertain significance. Last evaluated: 2025-10-11. Review status: criteria provided, single submitter. Criteria: GeneDx Variant Classification Process June 2021. Collection method: clinical testing. Allele origin: germline.
Comment: Not observed at significant frequency in large population cohorts (gnomAD); In silico analysis supports a deleterious effect on splicing; Has not been previously published as pathogenic or benign to our knowledge; Variants in candidate genes are classified as variants of uncertain significance in accordance with ACMG guidelines (PMID: 25741868)